The following is an entry in ClinVar:

ClinVar aggregate classification (germline): Benign/Likely benign. Review status: criteria provided, multiple submitters, no conflicts (2 of 4 stars). 2 submissions from 2 submitters: Benign (1); Likely benign (1). Last evaluated 2024-11-26.

Conditions:
Familial cancer of breast. Also called: BREAST CANCER, FAMILIAL; hereditary breast carcinoma; Hereditary breast cancer. Identifiers: Orphanet 227535, MedGen C0346153, MONDO:0016419, OMIM 114480. Disease mechanism: loss of function.
Ataxia-telangiectasia syndrome (AT). Also called: LOUIS-BAR SYNDROME; Cerebello-oculocutaneous telangiectasia; Immunodeficiency with ataxia telangiectasia; AT, COMPLEMENTATION GROUP C; Ataxia-telangiectasia, complementation group D; ATAXIA-TELANGIECTASIA, COMPLEMENTATION GROUP A. Identifiers: Orphanet 100, MedGen C0004135, MONDO:0008840, OMIM 208900.

Allele frequency attached by ClinVar (database versions not stated): TOPMed below 0.00001.

Submissions (2):

Labcorp Genetics (formerly Invitae), Labcorp
Classification: Likely benign for Ataxia-telangiectasia syndrome. Last evaluated: 2024-11-26. Review status: criteria provided, single submitter. Criteria: Invitae Variant Classification Sherloc (09022015). Collection method: clinical testing. Allele origin: germline.

Myriad Genetics, Inc.
Classification: Benign for Familial cancer of breast. Last evaluated: 2024-04-16. Review status: criteria provided, single submitter. Criteria: Myriad Autosomal Dominant, Autosomal Recessive and X-Linked Classification Criteria (2023). Collection method: clinical testing. Allele origin: unknown.
Comment: This variant is considered benign. This variant is a silent/synonymous amino acid change and it is not expected to impact splicing.

NM_000051.4(ATM):c.45A>G (p.Leu15=)

Gene: ATM (ATM serine/threonine kinase; plus strand). Cytogenetic location: 11q22.3.
Variant type: single nucleotide variant.
Coding change: c.45A>G on transcript NM_000051.4 (MANE Select); coding-DNA position 45, A replaced by G.
Protein change: p.Leu15=; no amino-acid change (leucine 15 retained).
Molecular consequence: synonymous variant.
Genome position (GRCh38, 1-based): chr11:108,227,669, A>G. VCF-style: chr11-108227669-A-G. GRCh37 (hg19) VCF-style: chr11-108098396-A-G.
Other names: c.45A>G, p.Leu15= (NM_001351834.2, NM_001351835.2, NM_001351836.2).
Identifiers: ClinVar variation 3254453 (VCV003254453.3), dbSNP rs1170783892.